The following is an entry in ClinVar:

ClinVar aggregate classification (germline): Uncertain significance (1 of 4 stars; one submission).

Conditions:
PLXNA2-related disorder. Also called: PLXNA2-related condition.

gnomAD v4.1: 6 of 1,614,190 alleles (0.00037%); highest among the groups gnomAD compares: Non-Finnish European, 0.00051%; no homozygotes.

Submission:

PreventionGenetics, part of Exact Sciences
Classification: Uncertain significance for PLXNA2-related condition. Last evaluated: 2025-03-26. Review status: criteria provided, single submitter. Criteria: ACMG Guidelines, 2015. Collection method: clinical testing. Allele origin: germline.
Comment: The PLXNA2 c.1103A>G variant is predicted to result in the amino acid substitution p.Lys368Arg. To our knowledge, this variant has not been reported in the literature or in a large population database (gnomAD), indicating this variant is rare. At this time, the clinical significance of this variant is uncertain due to the absence of conclusive functional and genetic evidence.

NM_025179.4(PLXNA2):c.1103A>G (p.Lys368Arg)

Gene: PLXNA2 (plexin A2; minus strand). Cytogenetic location: 1q32.2.
Variant type: single nucleotide variant.
Coding change: c.1103A>G on transcript NM_025179.4 (MANE Select); coding-DNA position 1103, A replaced by G.
Protein change: p.Lys368Arg; replaces lysine 368 with arginine.
Molecular consequence: missense variant.
Genome position (GRCh38, 1-based): chr1:208,216,820, T>C on the plus strand (A>G on the coding strand, the complement: PLXNA2 is on the minus strand). VCF-style: chr1-208216820-T-C. GRCh37 (hg19) VCF-style: chr1-208390165-T-C.
Other names: short protein forms K368R.
Identifiers: ClinVar variation 4997698 (VCV004997698.1).